The following is an entry in ClinVar:

NM_001089.3(ABCA3):c.4843G>A (p.Val1615Met)

Gene: ABCA3 (ATP binding cassette subfamily A member 3; minus strand). Cytogenetic location: 16p13.3.
Variant type: single nucleotide variant.
Coding change: c.4843G>A on transcript NM_001089.3 (MANE Select); coding-DNA position 4843, G replaced by A.
Protein change: p.Val1615Met; replaces valine 1615 with methionine.
Molecular consequence: missense variant.
Genome position (GRCh38, 1-based): chr16:2,277,945, C>T on the plus strand (G>A on the coding strand, the complement: ABCA3 is on the minus strand). VCF-style: chr16-2277945-C-T. GRCh37 (hg19) VCF-style: chr16-2327946-C-T.
Other names: short protein forms V1615M.
Identifiers: ClinVar variation 1743519 (VCV001743519.5), dbSNP rs755355456, ClinGen allele CA7840004.

ClinVar aggregate classification (germline): Uncertain significance. Review status: criteria provided, multiple submitters, no conflicts (2 of 4 stars). 2 submissions from 2 submitters: Uncertain significance (2). Last evaluated 2024-10-01.

Conditions:
Hereditary pulmonary alveolar proteinosis. Also called: Pulmonary surfactant metabolism dysfunction. Identifiers: Orphanet 264675, MedGen C3711368, MONDO:0012580.

Allele frequency attached by ClinVar (database versions not stated): gnomAD exomes 0.00002; gnomAD 0.00004; ExAC 0.00008.
gnomAD v4.1: 35 of 1,612,062 alleles (0.0022%); highest among the groups gnomAD compares: Admixed American, 0.047%; no homozygotes.

Submissions (2):

Ambry Genetics
Classification: Uncertain significance for Hereditary pulmonary alveolar proteinosis. Last evaluated: 2024-10-01. Review status: criteria provided, single submitter. Criteria: Ambry Variant Classification Scheme 2023. Collection method: clinical testing. Allele origin: germline.

Labcorp Genetics (formerly Invitae), Labcorp
Classification: Uncertain significance. Last evaluated: 2022-08-28. Review status: criteria provided, single submitter. Criteria: Invitae Variant Classification Sherloc (09022015). Collection method: clinical testing. Allele origin: germline.
Comment: This sequence change replaces valine, which is neutral and non-polar, with methionine, which is neutral and non-polar, at codon 1615 of the ABCA3 protein (p.Val1615Met). This variant is present in population databases (rs755355456, gnomAD 0.06%). This variant has not been reported in the literature in individuals affected with ABCA3-related conditions. Algorithms developed to predict the effect of missense changes on protein structure and function are either unavailable or do not agree on the potential impact of this missense change (SIFT: "Deleterious"; PolyPhen-2: "Benign"; Align-GVGD: "Class C0"). In summary, the available evidence is currently insufficient to determine the role of this variant in disease. Therefore, it has been classified as a Variant of Uncertain Significance.